The following is an entry in ClinVar:

ClinVar aggregate classification (germline): Uncertain significance (1 of 4 stars; one submission).

Conditions:
Rubinstein-Taybi syndrome (RSTS). Identifiers: Orphanet 783, MedGen C0035934, MONDO:0019188.

Allele frequency attached by ClinVar (database versions not stated): gnomAD exomes below 0.00001.
gnomAD v4.1: 2 of 1,614,204 alleles (0.00012%); highest among the groups gnomAD compares: South Asian, 0.0011%; no homozygotes.

Submission:

Labcorp Genetics (formerly Invitae), Labcorp
Classification: Uncertain significance for Rubinstein-Taybi syndrome. Last evaluated: 2025-11-16. Review status: criteria provided, single submitter. Criteria: Invitae Variant Classification Sherloc (09022015). Collection method: clinical testing. Allele origin: germline.
Comment: This sequence change replaces methionine, which is neutral and non-polar, with valine, which is neutral and non-polar, at codon 727 of the CREBBP protein (p.Met727Val). This variant is present in population databases (no rsID available, gnomAD 0.0009%). This variant has not been reported in the literature in individuals affected with CREBBP-related conditions. ClinVar contains an entry for this variant (Variation ID: 1953978). Invitae Evidence Modeling of protein sequence and biophysical properties (such as structural, functional, and spatial information, amino acid conservation, physicochemical variation, residue mobility, and thermodynamic stability) indicates that this missense variant is not expected to disrupt CREBBP protein function with a negative predictive value of 95%. In summary, the available evidence is currently insufficient to determine the role of this variant in disease. Therefore, it has been classified as a Variant of Uncertain Significance.

NM_004380.3(CREBBP):c.2179A>G (p.Met727Val)

Gene: CREBBP (CREB binding lysine acetyltransferase; minus strand). Cytogenetic location: 16p13.3.
Variant type: single nucleotide variant.
Coding change: c.2179A>G on transcript NM_004380.3 (MANE Select); coding-DNA position 2179, A replaced by G.
Protein change: p.Met727Val; replaces methionine 727 with valine.
Molecular consequence: missense variant.
Genome position (GRCh38, 1-based): chr16:3,774,673, T>C on the plus strand (A>G on the coding strand, the complement: CREBBP is on the minus strand). VCF-style: chr16-3774673-T-C. GRCh37 (hg19) VCF-style: chr16-3824674-T-C.
Other names: c.2065A>G, p.Met689Val (NM_001079846.1); short protein forms M727V, M689V.
Identifiers: ClinVar variation 1953978 (VCV001953978.5), dbSNP rs1466464050, ClinGen allele CA394553392.